The following is an entry in ClinVar:

ClinVar aggregate classification (germline): Uncertain significance. Review status: criteria provided, multiple submitters, no conflicts (2 of 4 stars). 3 submissions from 3 submitters: Uncertain significance (3). Last evaluated 2024-12-08.

Conditions:
Charcot-Marie-Tooth disease axonal type 2C (HMSN2C). Also called: Charcot-Marie-Tooth Disease Type 2, TRPV4-Related (CMT2C); CHARCOT-MARIE-TOOTH DISEASE, AXONAL, AUTOSOMAL DOMINANT, TYPE 2C; Charcot-Marie-Tooth Neuropathy Type 2C. Identifiers: Orphanet 99937, MedGen C1853710, MONDO:0011633, OMIM 606071.

Allele frequency attached by ClinVar (database versions not stated): ExAC 0.00001; gnomAD exomes 0.00001 and 0.00002; TOPMed 0.00001.
gnomAD v4.1: 36 of 1,614,062 alleles (0.0022%); highest among the groups gnomAD compares: African/African-American, 0.004%; no homozygotes.

Submissions (3):

Labcorp Genetics (formerly Invitae), Labcorp
Classification: Uncertain significance for Charcot-Marie-Tooth disease axonal type 2C. Last evaluated: 2024-12-08. Review status: criteria provided, single submitter. Criteria: Invitae Variant Classification Sherloc (09022015). Collection method: clinical testing. Allele origin: germline.
Comment: This sequence change replaces threonine, which is neutral and polar, with methionine, which is neutral and non-polar, at codon 305 of the TRPV4 protein (p.Thr305Met). This variant is present in population databases (rs754582307, gnomAD 0.007%). This variant has not been reported in the literature in individuals affected with TRPV4-related conditions. ClinVar contains an entry for this variant (Variation ID: 245694). Invitae Evidence Modeling of protein sequence and biophysical properties (such as structural, functional, and spatial information, amino acid conservation, physicochemical variation, residue mobility, and thermodynamic stability) indicates that this missense variant is not expected to disrupt TRPV4 protein function with a negative predictive value of 95%. In summary, the available evidence is currently insufficient to determine the role of this variant in disease. Therefore, it has been classified as a Variant of Uncertain Significance.

ARUP Laboratories, Molecular Genetics and Genomics, ARUP Laboratories
Classification: Uncertain significance. Last evaluated: 2020-03-24. Review status: criteria provided, single submitter. Criteria: ARUP Molecular Germline Variant Investigation Process. Collection method: clinical testing. Allele origin: germline.
Comment: The TRPV4 c.914C>T; p.Thr305Met variant (rs754582307), to our knowledge, is not reported in the medical literature but is reported in ClinVar (Variation ID: 245694). This variant is only observed on three alleles in the Genome Aggregation Database, indicating it is not a common polymorphism. The threonine at codon 305 is moderately conserved, and computational analyses (SIFT: tolerated, PolyPhen-2: probably damaging) predict conflicting effects of this variant on protein structure/function. Due to limited information, the clinical significance of the p.Thr305Met variant is uncertain at this time.

GeneDx
Classification: Uncertain significance. Last evaluated: 2015-05-21. Review status: criteria provided, single submitter. Criteria: GeneDx Variant Classification (06012015). Collection method: clinical testing. Allele origin: germline. Affected: yes.
Comment: The T305M variant has not been published as a mutation, nor has it been reported as a benign polymorphism to our knowledge. It was not observed in approximately 6,500 individuals of European and African American ancestry in the NHLBI Exome Sequencing Project, indicating it is not a common benign variant in these populations. The T305M variant is a non-conservative amino acid substitution, which is likely to impact secondary protein structure as these residues differ in polarity, charge, size and/or other properties. This substitution occurs at a position that is conserved across species. Missense mutations in nearby residues (T295A and R315W) have been reported in the Human Gene Mutation Database in association with TRPV4-related disorders (Stenson et al., 2014), supporting the functional importance of this region of the protein. However, in silico analysis is inconsistent in its predictions as to whether or not the T305M variant is damaging to the protein structure/function. Therefore, based on the currently available information, it is unclear whether this variant is a pathogenic mutation or a rare benign variant.

NM_021625.5(TRPV4):c.914C>T (p.Thr305Met)

Gene: TRPV4 (transient receptor potential cation channel subfamily V member 4; minus strand). Cytogenetic location: 12q24.11.
Variant type: single nucleotide variant.
Coding change: c.914C>T on transcript NM_021625.5 (MANE Select); coding-DNA position 914, C replaced by T.
Protein change: p.Thr305Met; replaces threonine 305 with methionine.
Molecular consequence: missense variant.
Genome position (GRCh38, 1-based): chr12:109,798,852, G>A on the plus strand (C>T on the coding strand, the complement: TRPV4 is on the minus strand). VCF-style: chr12-109798852-G-A. GRCh37 (hg19) VCF-style: chr12-110236657-G-A.
Other names: c.773C>T, p.Thr258Met (NM_001177428.2, NM_001177433.2); c.812C>T, p.Thr271Met (NM_001177431.2); c.914C>T, p.Thr305Met (NM_147204.3); short protein forms T305M, T258M, T271M.
Identifiers: ClinVar variation 245694 (VCV000245694.12), dbSNP rs754582307, ClinGen allele CA6780386.